The following is an entry in ClinVar:

ClinVar aggregate classification (germline): Uncertain significance (1 of 4 stars; one submission).

Submission:

Ambry Genetics
Classification: Uncertain significance. Last evaluated: 2024-07-24. Review status: criteria provided, single submitter. Criteria: Ambry Variant Classification Scheme 2023. Collection method: clinical testing. Allele origin: germline.
Comment: The p.R354W variant (also known as c.1060C>T), located in coding exon 3 of the EGLN2 gene, results from a C to T substitution at nucleotide position 1060. The arginine at codon 354 is replaced by tryptophan, an amino acid with dissimilar properties. This amino acid position is conserved. In addition, this alteration is predicted to be deleterious by in silico analysis. Based on the available evidence, the clinical significance of this variant remains unclear.

NM_080732.4(EGLN2):c.1060C>T (p.Arg354Trp)

Genes: EGLN2 (egl-9 family hypoxia inducible factor 2; plus strand), RAB4B-EGLN2 (RAB4B-EGLN2 readthrough (NMD candidate); plus strand). Cytogenetic location: 19q13.2.
Variant type: single nucleotide variant.
Coding change: c.1060C>T on transcript NM_080732.4 (MANE Select); coding-DNA position 1060, C replaced by T.
Protein change: p.Arg354Trp; replaces arginine 354 with tryptophan.
Molecular consequence: missense variant. On other transcripts: non-coding transcript variant (1).
Genome position (GRCh38, 1-based): chr19:40,807,234, C>T. VCF-style: chr19-40807234-C-T. GRCh37 (hg19) VCF-style: chr19-41313139-C-T.
Other names: c.1060C>T, p.Arg354Trp (NM_053046.4); short protein forms R354W.
Identifiers: ClinVar variation 3507266 (VCV003507266.1).